The following is an entry in ClinVar:

NM_015465.5(GEMIN5):c.4076T>A (p.Leu1359His)

Gene: GEMIN5 (gem nuclear organelle associated protein 5; minus strand). Cytogenetic location: 5q33.2.
Variant type: single nucleotide variant.
Coding change: c.4076T>A on transcript NM_015465.5 (MANE Select); coding-DNA position 4076, T replaced by A.
Protein change: p.Leu1359His; replaces leucine 1359 with histidine.
Molecular consequence: missense variant.
Genome position (GRCh38, 1-based): chr5:154,891,427, A>T on the plus strand (T>A on the coding strand, the complement: GEMIN5 is on the minus strand). VCF-style: chr5-154891427-A-T. GRCh37 (hg19) VCF-style: chr5-154270987-A-T.
Other names: c.4073T>A, p.Leu1358His (NM_001252156.2); c.4076T>A (NM_015465.4); short protein forms L1358H, L1359H.
Identifiers: ClinVar variation 2378061 (VCV002378061.3), dbSNP rs370974074, ClinGen allele CA130112256.
Genomic context (GRCh38, chr5:154,891,427, plus strand): 5'-TCTTGGACTTCAGCAACAGTTCTCTGTGAGTTTTGGAGACTGGCATGCTTTTCTGAAAAG[A>T]GCTCCTTAAAAGTACTCAGCATTCGCTCACCTTCTTCTGTGAGTCTCAAGTCTAGTTCTG-3'
Protein context (NP_056280.2, residues 1349-1369): GERMLSTFKE[Leu1359His]FSEKHASLQN

ClinVar aggregate classification (germline): Uncertain significance. Review status: criteria provided, multiple submitters, no conflicts (2 of 4 stars). 2 submissions from 2 submitters: Uncertain significance (2). Last evaluated 2024-03-03.

Conditions:
Inborn genetic diseases. Identifiers: MedGen C0950123, MeSH D030342.

Allele frequency attached by ClinVar (database versions not stated): TOPMed 0.00001; gnomAD 0.00002; ESP Exome Variant Server 0.00008.
gnomAD v4.1: 6 of 1,613,988 alleles (0.00037%); highest among the groups gnomAD compares: African/African-American, 0.004%; no homozygotes.

Submissions (2):

GeneDx
Classification: Uncertain significance. Last evaluated: 2024-03-03. Review status: criteria provided, single submitter. Criteria: GeneDx Variant Classification Process June 2021. Collection method: clinical testing. Allele origin: germline. Affected: yes.
Comment: In silico analysis supports that this missense variant has a deleterious effect on protein structure/function; Has not been previously published as pathogenic or benign to our knowledge

Ambry Genetics
Classification: Uncertain significance for Inborn genetic diseases. Last evaluated: 2022-10-21. Review status: criteria provided, single submitter. Criteria: Ambry Variant Classification Scheme 2023. Collection method: clinical testing. Allele origin: germline.
Comment: The c.4076T>A (p.L1359H) alteration is located in exon 26 (coding exon 26) of the GEMIN5 gene. This alteration results from a T to A substitution at nucleotide position 4076, causing the leucine (L) at amino acid position 1359 to be replaced by a histidine (H). Based on data from gnomAD, the A allele has an overall frequency of 0.001% (2/282676) total alleles studied. The highest observed frequency was 0.004% (1/24968) of African alleles. This amino acid position is highly conserved in available vertebrate species. The in silico prediction for this alteration is inconclusive. Based on insufficient or conflicting evidence, the clinical significance of this alteration remains unclear.